The following is an entry in ClinVar:

ClinVar aggregate classification (germline): Pathogenic. Review status: criteria provided, multiple submitters, no conflicts (2 of 4 stars). 4 submissions from 4 submitters: Pathogenic (4). Last evaluated 2026-01-26.

Conditions:
Multiple endocrine neoplasia, type 1 (MEN1). Also called: MEA I; WERMER SYNDROME; Endocrine adenomatosis multiple; MEN 1; MEN I. Identifiers: Orphanet 652, MedGen C0025267, MeSH D018761, MONDO:0007540, OMIM 131100.
Hereditary cancer-predisposing syndrome. Also called: Hereditary Cancer Syndrome; Neoplastic Syndromes, Hereditary; Hereditary neoplastic syndrome; Tumor predisposition. Identifiers: Orphanet 140162, MedGen C0027672, MeSH D009386, MONDO:0015356.

Submissions (4):

Medical and Scientific Branch, Hong Kong Genome Institute
Classification: Pathogenic for Multiple endocrine neoplasia, type 1. Last evaluated: 2026-01-26. Review status: criteria provided, single submitter. Criteria: ACMG Guidelines, 2015. Collection method: clinical testing. Allele origin: unknown. Affected: yes.

Labcorp Genetics (formerly Invitae), Labcorp
Classification: Pathogenic for Multiple endocrine neoplasia, type 1. Last evaluated: 2025-04-28. Review status: criteria provided, single submitter. Criteria: Invitae Variant Classification Sherloc (09022015). Collection method: clinical testing. Allele origin: germline.
Comment: This sequence change affects a donor splice site in intron 4 of the MEN1 gene. RNA analysis indicates that disruption of this splice site induces altered splicing and may result in an absent or altered protein product. This variant is not present in population databases (gnomAD no frequency). Disruption of this splice site has been observed in individuals with multiple endocrine neoplasia type 1 (PMID: 9683585, 9888389, 22666734). Invitae Evidence Modeling of clinical and family history, age, sex, and reported ancestry of multiple individuals with this MEN1 variant has been performed. This variant is expected to be pathogenic with a positive predictive value of at least 99%. This is a validated machine learning model that incorporates the clinical features of 1,366,787 individuals referred to our laboratory for MEN1 testing. This variant is also known as 893+1G and IVS4+1G. ClinVar contains an entry for this variant (Variation ID: 810855). Studies have shown that disruption of this splice site results in skipping of exon 4 and activation of a cryptic splice site, and produces a non-functional protein and/or introduces a premature termination codon (internal data). For these reasons, this variant has been classified as Pathogenic.

Ambry Genetics
Classification: Pathogenic for Hereditary cancer-predisposing syndrome. Last evaluated: 2024-10-30. Review status: criteria provided, single submitter. Criteria: Ambry Variant Classification Scheme 2023. Collection method: clinical testing. Allele origin: germline.
Comment: The c.783+1G>C intronic pathogenic mutation results from a G to C substitution one nucleotide after coding exon 3 of the MEN1 gene. Alterations that disrupt the canonical splice site are expected to result in aberrant splicing. In silico splice site analysis predicts that this alteration will weaken the native splice donor site. The resulting transcript is predicted to be in-frame and is not expected to trigger nonsense-mediated mRNAdecay; however, direct evidence is unavailable. The exact functional effect of the altered amino acid sequence is unknown; however, a significant portion of the protein is affected and the impacted region is critical for protein function (Ambry internal data). This variant (designated as 893+1G>C and IVS4+1GT>CT) was reported in multiple individuals with features consistent with multiple endocrine neoplasia type 1 (MEN1) (Poncin J et al. Hum Mutat, 1999;13:54-60; Klein RD et al. Genet Med, 2005 Feb;7:131-8; Ambry internal data). Another alteration impacting the same donor site (c.783+1G>A) has been detected in individuals with clinical diagnoses of MEN1 (Morelli A et al. Eur. J. Endocrinol. 2000 Feb;142:131-7; Wen Z et al. Arq Bras Endocrinol Metabol. 2012 Apr;56:184-9). This variant is considered to be rare based on population cohorts in the Genome Aggregation Database (gnomAD). This nucleotide position is highly conserved in available vertebrate species. Based on the supporting evidence, this variant is interpreted as a disease-causing mutation.

ARUP Laboratories, Molecular Genetics and Genomics, ARUP Laboratories
Classification: Pathogenic for Multiple endocrine neoplasia, type 1. Last evaluated: 2018-12-09. Review status: criteria provided, single submitter. Criteria: ARUP Molecular Germline Variant Investigation Process. Collection method: clinical testing. Allele origin: germline.
Comment: The MEN1 c.783+1G>C variant, also known as 893+1G>C, is reported in the literature in individuals affected with multiple endocrine neoplasia type 1 (Poncin 1999). This variant is absent from general population databases (1000 Genomes Project, Exome Variant Server, and Genome Aggregation Database), indicating it is not a common polymorphism. This variant disrupts the canonical splice donor site of intron 4, which is likely to disrupt gene function. Additionally, other variants at this nucleotide (c.783+1G>A; c.783+1G>T) have been reported in individuals with multiple endocrine neoplasia type 1 and are considered pathogenic (Giraud 1998, Morelli 2000, Nunes 2014). Based on available information, the c.783+1G>C variant is considered to be pathogenic. References: Giraud S et al. Germ-line mutation analysis in patients with multiple endocrine neoplasia type 1 and related disorders. Am J Hum Genet. 1998 Aug;63(2):455-67. Morelli A et al. MEN1 gene mutation analysis in Italian patients with multiple endocrine neoplasia type 1. Eur J Endocrinol. 2000 Feb;142(2):131-7. Nunes VS et al. Frequency of multiple endocrine neoplasia type 1 in a group of patients with pituitary adenoma: genetic study and familial screening. Pituitary. 2014 Feb;17(1):30-7. Poncin J et al. Mutation analysis of the MEN1 gene in Belgian patients with multiple endocrine neoplasia type 1 and related diseases. Hum Mutat. 1999;13(1):54-60.

Literature cited by the submitters: PubMed 9683585 (cited by Labcorp Genetics (formerly Invitae), Labcorp); PubMed 9888389 (cited by Labcorp Genetics (formerly Invitae), Labcorp and Ambry Genetics); PubMed 22666734 (cited by Labcorp Genetics (formerly Invitae), Labcorp); PubMed 15714081 (cited by Ambry Genetics).

NM_001370259.2(MEN1):c.783+1G>C

Gene: MEN1 (menin 1; minus strand). Cytogenetic location: 11q13.1.
Variant type: single nucleotide variant.
Coding change: c.783+1G>C on transcript NM_001370259.2 (MANE Select); the canonical splice donor site of the intron after coding-DNA position 783, G replaced by C.
Molecular consequence: splice donor variant.
Genome position (GRCh38, 1-based): chr11:64,807,551, C>G on the plus strand (G>C on the coding strand, the complement: MEN1 is on the minus strand). VCF-style: chr11-64807551-C-G. GRCh37 (hg19) VCF-style: chr11-64575023-C-G.
Other names: c.798+1G>C (NM_130804.3, NM_130803.3, NM_000244.4 and 5 more transcripts); c.678+1G>C (NM_001407148.1, NM_001407149.1, NM_001407151.1 and 2 more transcripts); c.783+1G>C (NM_130799.3, NM_001407144.1, NM_001370260.2 and 7 more transcripts).
Identifiers: ClinVar variation 810855 (VCV000810855.19), dbSNP rs794728652, ClinGen allele CA381184103.